The following is an entry in ClinVar:

NM_000256.3(MYBPC3):c.76C>T (p.Pro26Ser)

Gene: MYBPC3 (myosin binding protein C3; minus strand). Cytogenetic location: 11p11.2.
Variant type: single nucleotide variant.
Coding change: c.76C>T on transcript NM_000256.3 (MANE Select); coding-DNA position 76, C replaced by T.
Protein change: p.Pro26Ser; replaces proline 26 with serine.
Molecular consequence: missense variant.
Genome position (GRCh38, 1-based): chr11:47,351,455, G>A on the plus strand (C>T on the coding strand, the complement: MYBPC3 is on the minus strand). VCF-style: chr11-47351455-G-A. GRCh37 (hg19) VCF-style: chr11-47373006-G-A.
Other names: short protein forms P26S.
Identifiers: ClinVar variation 2153036 (VCV002153036.8), dbSNP rs2495786604, ClinGen allele CA380341975.

ClinVar aggregate classification (germline): Conflicting classifications of pathogenicity. Review status: criteria provided, conflicting classifications (1 of 4 stars). 4 submissions from 4 submitters: Uncertain significance (3); Likely benign (1). Last evaluated 2026-04-29.

Conditions:
Cardiovascular phenotype. Identifiers: MedGen CN230736.
Cardiomyopathy (CMYO). Also called: Cardiomyopathies. Identifiers: Orphanet 167848, MedGen C0878544, MONDO:0004994, HP:0001638. Inheritance: Various modes of inheritance.
Hypertrophic cardiomyopathy. Also called: HYPERTROPHIC MYOCARDIOPATHY. Identifiers: Orphanet 217569, MedGen C0007194, MeSH D002312, MONDO:0005045, HP:0001639.

gnomAD v4.1: 2 of 1,600,292 alleles (0.00012%); highest among the groups gnomAD compares: Non-Finnish European, 0.00017%; no homozygotes.

Submissions (4):

Ambry Genetics
Classification: Likely benign for Cardiovascular phenotype. Last evaluated: 2026-04-29. Review status: criteria provided, single submitter. Criteria: Ambry Variant Classification Scheme 2023. Collection method: clinical testing. Allele origin: germline.

All of Us Research Program, National Institutes of Health
Classification: Uncertain significance for Hypertrophic cardiomyopathy. Last evaluated: 2023-10-02. Review status: criteria provided, single submitter. Criteria: ACMG Guidelines, 2015. Collection method: clinical testing. Allele origin: germline. Inheritance: Autosomal dominant inheritance. Observed: 1 variant allele, 1 heterozygote.
Comment: This missense variant replaces proline with serine at codon 26 of the MYBPC3 protein. Computational prediction suggests that this variant may not impact protein structure and function (internally defined REVEL score threshold <= 0.5, PMID: 27666373). To our knowledge, functional studies have not been reported for this variant. This variant has not been reported in individuals affected with MYBPC3-related disorders in the literature. This variant has not been identified in the general population by the Genome Aggregation Database (gnomAD). The available evidence is insufficient to determine the role of this variant in disease conclusively. Therefore, this variant is classified as a Variant of Uncertain Significance.

This study involves interpretation of variants in research participants for the purpose of population health screening. Participant phenotype was not available at the time of variant classification. Additional details can be found in publication PMID: 35346344, PMCID: PMC8962531

Color Diagnostics, LLC DBA Color Health
Classification: Uncertain significance for Cardiomyopathy. Last evaluated: 2023-09-13. Review status: criteria provided, single submitter. Criteria: ACMG Guidelines, 2015. Collection method: clinical testing. Allele origin: germline.
Comment: This missense variant replaces proline with serine at codon 26 of the MYBPC3 protein. Computational prediction suggests that this variant may not impact protein structure and function (internally defined REVEL score threshold <= 0.5, PMID: 27666373). To our knowledge, functional studies have not been reported for this variant. This variant has not been reported in individuals affected with MYBPC3-related disorders in the literature. This variant has not been identified in the general population by the Genome Aggregation Database (gnomAD). The available evidence is insufficient to determine the role of this variant in disease conclusively. Therefore, this variant is classified as a Variant of Uncertain Significance.

Labcorp Genetics (formerly Invitae), Labcorp
Classification: Uncertain significance for Hypertrophic cardiomyopathy. Last evaluated: 2022-02-01. Review status: criteria provided, single submitter. Criteria: Invitae Variant Classification Sherloc (09022015). Collection method: clinical testing. Allele origin: germline.
Comment: In summary, the available evidence is currently insufficient to determine the role of this variant in disease. Therefore, it has been classified as a Variant of Uncertain Significance. Algorithms developed to predict the effect of missense changes on protein structure and function output the following: SIFT: "Tolerated"; PolyPhen-2: "Benign"; Align-GVGD: "Class C0". The serine amino acid residue is found in multiple mammalian species, which suggests that this missense change does not adversely affect protein function. This variant has not been reported in the literature in individuals affected with MYBPC3-related conditions. This variant is not present in population databases (gnomAD no frequency). This sequence change replaces proline, which is neutral and non-polar, with serine, which is neutral and polar, at codon 26 of the MYBPC3 protein (p.Pro26Ser).